The following is an entry in ClinVar:

ClinVar aggregate classification (germline): Uncertain significance. Review status: criteria provided, multiple submitters, no conflicts (2 of 4 stars). 2 submissions from 2 submitters: Uncertain significance (2). Last evaluated 2025-07-08.

Allele frequency attached by ClinVar (database versions not stated): TOPMed below 0.00001; gnomAD 0.00001; gnomAD exomes 0.00001.

Submissions (2):

Labcorp Genetics (formerly Invitae), Labcorp
Classification: Uncertain significance. Last evaluated: 2025-07-08. Review status: criteria provided, single submitter. Criteria: Invitae Variant Classification Sherloc (09022015). Collection method: clinical testing. Allele origin: germline.
Comment: This sequence change creates a premature translational stop signal (p.Asp1499Glyfs*5) in the SAMD9 gene. While this is not anticipated to result in nonsense mediated decay, it is expected to disrupt the last 91 amino acid(s) of the SAMD9 protein. This variant is present in population databases (no rsID available, gnomAD 0.0009%). This variant has not been reported in the literature in individuals affected with SAMD9-related conditions. ClinVar contains an entry for this variant (Variation ID: 3250991). In summary, the available evidence is currently insufficient to determine the role of this variant in disease. Therefore, it has been classified as a Variant of Uncertain Significance.

CeGaT Center for Human Genetics Tuebingen
Classification: Uncertain significance. Last evaluated: 2024-06-01. Review status: criteria provided, single submitter. Criteria: CeGaT Center For Human Genetics Tuebingen Variant Classification Criteria Version 2. Collection method: clinical testing. Allele origin: germline. Affected: yes. Observed: 1 variant allele.
Comment: SAMD9: PM2, BP1

NM_017654.4(SAMD9):c.4495dup (p.Asp1499fs)

Gene: SAMD9 (sterile alpha motif domain containing 9; minus strand). Cytogenetic location: 7q21.2.
Variant type: Duplication.
Coding change: c.4495dup on transcript NM_017654.4 (MANE Select); coding-DNA position 4495, one base duplicated (G; older notation c.4495dupG).
Protein change: p.Asp1499fs; shifts the reading frame from aspartic acid 1499.
Molecular consequence: frameshift variant.
Genome position (GRCh38, 1-based): chr7:93,101,603, C duplicated on the plus strand (G on the coding strand, the reverse complement: SAMD9 is on the minus strand). VCF-style (leftmost placement, unchanged base first): chr7-93101602-T-TC. GRCh37 (hg19) VCF-style: chr7-92730915-T-TC.
Other names: c.4495dup, p.Asp1499fs (NM_001193307.2); short protein forms D1499fs.
Identifiers: ClinVar variation 3250991 (VCV003250991.19), dbSNP rs1562773607.